The following is an entry in ClinVar:

ClinVar aggregate classification (germline): Uncertain significance (1 of 4 stars; one submission).

Allele frequency attached by ClinVar (database versions not stated): ESP Exome Variant Server 0.00008; ExAC 0.00002; TOPMed 0.00004; gnomAD 0.00002.
gnomAD v4.1: 29 of 1,363,928 alleles (0.0021%); highest among the groups gnomAD compares: Admixed American, 0.013%; no homozygotes.

Submission:

Labcorp Genetics (formerly Invitae), Labcorp
Classification: Uncertain significance. Last evaluated: 2024-09-12. Review status: criteria provided, single submitter. Criteria: Invitae Variant Classification Sherloc (09022015). Collection method: clinical testing. Allele origin: germline.
Comment: This sequence change replaces arginine, which is basic and polar, with glutamine, which is neutral and polar, at codon 1305 of the ERCC6L2 protein (p.Arg1305Gln). This variant is present in population databases (rs374216008, gnomAD 0.02%). This variant has not been reported in the literature in individuals affected with ERCC6L2-related conditions. ClinVar contains an entry for this variant (Variation ID: 1021204). Experimental studies and prediction algorithms are not available or were not evaluated, and the functional significance of this variant is currently unknown. In summary, the available evidence is currently insufficient to determine the role of this variant in disease. Therefore, it has been classified as a Variant of Uncertain Significance.

NM_020207.7(ERCC6L2):c.3881G>A (p.Arg1294Gln)

Gene: ERCC6L2 (ERCC excision repair 6 like 2; plus strand). Cytogenetic location: 9q22.32.
Variant type: single nucleotide variant.
Coding change: c.3881G>A on transcript NM_020207.7 (MANE Select); coding-DNA position 3881, G replaced by A.
Protein change: p.Arg1294Gln; replaces arginine 1294 with glutamine.
Molecular consequence: missense variant. On other transcripts: non-coding transcript variant (1), intron variant (2).
Genome position (GRCh38, 1-based): chr9:96,012,431, G>A. VCF-style: chr9-96012431-G-A. GRCh37 (hg19) VCF-style: chr9-98774713-G-A.
Other names: c.3674+7730G>A (NM_001375291.1, NM_001375292.1); short protein forms R1294Q.
Identifiers: ClinVar variation 1021204 (VCV001021204.7), dbSNP rs374216008, ClinGen allele CA5140012.